The following is an entry in ClinVar:

NM_018451.5(CPAP):c.1233G>A (p.Pro411=)

Gene: CPAP (centrosome assembly and centriole elongation protein; minus strand). Cytogenetic location: 13q12.13.
Variant type: single nucleotide variant.
Coding change: c.1233G>A on transcript NM_018451.5 (MANE Select); coding-DNA position 1233, G replaced by A.
Protein change: p.Pro411=; no amino-acid change (proline 411 retained).
Molecular consequence: synonymous variant. On other transcripts: non-coding transcript variant (2).
Genome position (GRCh38, 1-based): chr13:24,906,805, C>T on the plus strand (G>A on the coding strand, the complement: CPAP is on the minus strand). VCF-style: chr13-24906805-C-T. GRCh37 (hg19) VCF-style: chr13-25480943-C-T.
Identifiers: ClinVar variation 158191 (VCV000158191.46), dbSNP rs112133852, ClinGen allele CA171668.

ClinVar aggregate classification (germline): Benign/Likely benign. Review status: criteria provided, multiple submitters, no conflicts (2 of 4 stars). 9 submissions from 8 submitters: Benign (4); Likely benign (4). 1 of the submissions does not count toward it. Last evaluated 2026-07-01.

Conditions:
CENPJ-related disorder. Also called: CENPJ-related condition; CENPJ-related disorders.
Seckel syndrome 4 (SCKL4). Identifiers: Orphanet 808, MedGen C3888212, MONDO:0013358, OMIM 613676.
Microcephaly 6, primary, autosomal recessive. Identifiers: Orphanet 2512, MedGen C1842109, MONDO:0012029, OMIM 608393.

Allele frequency attached by ClinVar (database versions not stated): gnomAD exomes 0.00041 and 0.00096; ExAC 0.00108; gnomAD 0.00345 and 0.00368; 1000 Genomes Project 30x 0.00359; TOPMed 0.00359; 1000 Genomes Project 0.00399; ESP Exome Variant Server 0.00408.
gnomAD v4.1: 1,147 of 1,614,166 alleles (0.071%); highest among the groups gnomAD compares: African/African-American, 1.2%; 6 homozygotes.

Submissions (9):

CeGaT Center for Human Genetics Tuebingen
Classification: Likely benign. Last evaluated: 2026-07-01. Review status: criteria provided, single submitter. Criteria: CeGaT Center For Human Genetics Tuebingen Variant Classification Criteria Version 2. Collection method: clinical testing. Allele origin: germline. Affected: yes. Observed: 4 variant alleles.
Comment: CPAP: BP4, BP7, BS1

Labcorp Genetics (formerly Invitae), Labcorp
Classification: Benign. Last evaluated: 2025-12-03. Review status: criteria provided, single submitter. Criteria: Invitae Variant Classification Sherloc (09022015). Collection method: clinical testing. Allele origin: germline.

GeneDx
Classification: Likely benign. Last evaluated: 2020-12-11. Review status: criteria provided, single submitter. Criteria: GeneDx Variant Classification Process June 2021. Collection method: clinical testing. Allele origin: germline. Affected: yes.

Athena Diagnostics
Classification: Benign. Last evaluated: 2019-04-26. Review status: criteria provided, single submitter. Criteria: Athena Diagnostics Criteria. Collection method: clinical testing. Allele origin: germline.

Illumina Laboratory Services, Illumina
Classification: Benign for Seckel syndrome 4. Last evaluated: 2018-01-13. Review status: criteria provided, single submitter. Criteria: ICSL Variant Classification Criteria 13 December 2019. Collection method: clinical testing. Allele origin: germline.
Comment: This variant was observed in the ICSL laboratory as part of a predisposition screen in an ostensibly healthy population. It had not been previously curated by ICSL or reported in the Human Gene Mutation Database (HGMD: prior to June 1st, 2018), and was therefore a candidate for classification through an automated scoring system. Utilizing variant allele frequency, disease prevalence and penetrance estimates, and inheritance mode, an automated score was calculated to assess if this variant is too frequent to cause the disease. Based on the score and internal cut-off values, a variant classified as benign is not then subjected to further curation. The score for this variant resulted in a classification of benign for this disease.

Illumina Laboratory Services, Illumina
Classification: Likely benign for Microcephaly 6, primary, autosomal recessive. Last evaluated: 2018-01-13. Review status: criteria provided, single submitter. Criteria: ICSL Variant Classification Criteria 13 December 2019. Collection method: clinical testing. Allele origin: germline.
Comment: This variant was observed in the ICSL laboratory as part of a predisposition screen in an ostensibly healthy population. It had not been previously curated by ICSL or reported in the Human Gene Mutation Database (HGMD: prior to June 1st, 2018), and was therefore a candidate for classification through an automated scoring system. Utilizing variant allele frequency, disease prevalence and penetrance estimates, and inheritance mode, an automated score was calculated to assess if this variant is too frequent to cause the disease. Based on the score and internal cut-off values, a variant classified as likely benign is not then subjected to further curation. The score for this variant resulted in a classification of likely benign for this disease.

Genetic Services Laboratory, University of Chicago
Classification: Benign. Last evaluated: 2013-02-08. Review status: criteria provided, single submitter. Criteria: ACMG Guidelines, 2007. Collection method: clinical testing. Allele origin: germline. Inheritance: Autosomal recessive inheritance.

Breakthrough Genomics
Classification: Likely benign. Review status: criteria provided, single submitter. Criteria: ACMG Guidelines, 2015. Collection method: not provided. Allele origin: germline. Inheritance: Autosomal recessive inheritance. Affected: yes.

PreventionGenetics, part of Exact Sciences
Classification: Benign for CENPJ-related condition. Last evaluated: 2019-10-16. Review status: no assertion criteria provided. Collection method: clinical testing. Allele origin: germline. Not counted in ClinVar's aggregate classification.
Comment: This variant is classified as benign based on ACMG/AMP sequence variant interpretation guidelines (Richards et al. 2015 PMID: 25741868, with internal and published modifications).